The following is an entry in ClinVar:

ClinVar aggregate classification (germline): Likely benign. Review status: criteria provided, multiple submitters, no conflicts (2 of 4 stars). 6 submissions from 6 submitters: Likely benign (4). 2 of the submissions do not count toward it. Last evaluated 2026-01-26.

Conditions:
Cohen syndrome (COH1). Also called: PEPPER SYNDROME; Cutis verticis gyrata, retinitis pigmentosa, and sensorineural deafness. Identifiers: Orphanet 193, MedGen C0265223, MONDO:0008999, OMIM 216550.
VPS13B-related disorder. Also called: VPS13B-related condition.
Inborn genetic diseases. Identifiers: MedGen C0950123, MeSH D030342.

Allele frequency attached by ClinVar (database versions not stated): gnomAD 0.00004; ExAC 0.00005; TOPMed 0.00009; gnomAD exomes 0.00010.
gnomAD v4.1: 36 of 1,612,900 alleles (0.0022%); highest among the groups gnomAD compares: Admixed American, 0.06%; no homozygotes.

Submissions (6):

Labcorp Genetics (formerly Invitae), Labcorp
Classification: Likely benign for Cohen syndrome. Last evaluated: 2026-01-26. Review status: criteria provided, single submitter. Criteria: Invitae Variant Classification Sherloc (09022015). Collection method: clinical testing. Allele origin: germline.

Blueprint Genetics
Classification: Likely benign. Last evaluated: 2022-09-30. Review status: criteria provided, single submitter. Criteria: ACMG Guidelines, 2015. Collection method: clinical testing. Allele origin: germline.

Ambry Genetics
Classification: Likely benign for Inborn genetic diseases. Last evaluated: 2018-08-16. Review status: criteria provided, single submitter. Criteria: Ambry Variant Classification Scheme 2023. Collection method: clinical testing. Allele origin: germline.

Breakthrough Genomics
Classification: Likely benign. Review status: criteria provided, single submitter. Criteria: ACMG Guidelines, 2015. Collection method: not provided. Allele origin: germline. Inheritance: Autosomal recessive inheritance. Affected: yes.

PreventionGenetics, part of Exact Sciences
Classification: Likely benign for VPS13B-related condition. Last evaluated: 2021-08-25. Review status: no assertion criteria provided. Collection method: clinical testing. Allele origin: germline. Not counted in ClinVar's aggregate classification.
Comment: This variant is classified as likely benign based on ACMG/AMP sequence variant interpretation guidelines (Richards et al. 2015 PMID: 25741868, with internal and published modifications).

Natera, Inc.
Classification: Uncertain significance for Cohen syndrome. Last evaluated: 2020-01-24. Review status: no assertion criteria provided. Collection method: clinical testing. Allele origin: germline. Not counted in ClinVar's aggregate classification.

NM_152564.5(VPS13B):c.4240C>T (p.Leu1414=)

Gene: VPS13B (vacuolar protein sorting 13 homolog B; plus strand). Cytogenetic location: 8q22.2.
Variant type: single nucleotide variant.
Coding change: c.4240C>T on transcript NM_152564.5 (MANE Select); coding-DNA position 4240, C replaced by T.
Protein change: p.Leu1414=; no amino-acid change (leucine 1414 retained).
Molecular consequence: synonymous variant.
Genome position (GRCh38, 1-based): chr8:99,511,119, C>T. VCF-style: chr8-99511119-C-T. GRCh37 (hg19) VCF-style: chr8-100523347-C-T.
Other names: c.4240C>T (NM_152564.4); c.4315C>T, p.Leu1439= (NM_017890.5).
Identifiers: ClinVar variation 703756 (VCV000703756.19), dbSNP rs754939057, ClinGen allele CA4823502.